The following is an entry in ClinVar:

ClinVar aggregate classification (germline): Conflicting classifications of pathogenicity. Review status: criteria provided, conflicting classifications (1 of 4 stars). 2 submissions from 2 submitters: Uncertain significance (1); Likely benign (1). Last evaluated 2024-06-11.

gnomAD v4.1: 12 of 1,613,336 alleles (0.00074%); highest among the groups gnomAD compares: African/African-American, 0.016%; no homozygotes.

Submissions (2):

GeneDx
Classification: Uncertain significance. Last evaluated: 2024-06-11. Review status: criteria provided, single submitter. Criteria: GeneDx Variant Classification Process June 2021. Collection method: clinical testing. Allele origin: germline. Affected: yes.
Comment: Has not been previously published as pathogenic or benign to our knowledge; In silico analysis is inconclusive as to whether the variant alters gene splicing. In the absence of RNA/functional studies, the actual effect of this sequence change is unknown.

Labcorp Genetics (formerly Invitae), Labcorp
Classification: Likely benign. Last evaluated: 2024-02-20. Review status: criteria provided, single submitter. Criteria: Invitae Variant Classification Sherloc (09022015). Collection method: clinical testing. Allele origin: germline.

NM_018993.4(RIN2):c.474G>A (p.Leu158=)

Gene: RIN2 (Ras and Rab interactor 2; plus strand). Cytogenetic location: 20p11.23.
Variant type: single nucleotide variant.
Coding change: c.474G>A on transcript NM_018993.4 (MANE Select); coding-DNA position 474, G replaced by A.
Protein change: p.Leu158=; no amino-acid change (leucine 158 retained).
Molecular consequence: synonymous variant. On other transcripts: intron variant (1).
Genome position (GRCh38, 1-based): chr20:19,964,962, G>A. VCF-style: chr20-19964962-G-A. GRCh37 (hg19) VCF-style: chr20-19945606-G-A.
Other names: c.621G>A, p.Leu207= (NM_001242581.2); c.-83+4151G>A (NM_001378238.1).
Identifiers: ClinVar variation 3390827 (VCV003390827.3).